The following is an entry in ClinVar:

NM_016169.4(SUFU):c.124C>T (p.Arg42Cys)

Gene: SUFU (SUFU negative regulator of hedgehog signaling; plus strand). Cytogenetic location: 10q24.32.
Variant type: single nucleotide variant.
Coding change: c.124C>T on transcript NM_016169.4 (MANE Select); coding-DNA position 124, C replaced by T.
Protein change: p.Arg42Cys; replaces arginine 42 with cysteine.
Molecular consequence: missense variant.
Genome position (GRCh38, 1-based): chr10:102,504,276, C>T. VCF-style: chr10-102504276-C-T. GRCh37 (hg19) VCF-style: chr10-104264033-C-T.
Other names: c.124C>T, p.Arg42Cys (NM_001178133.2); c.124C>T (NM_016169.3); short protein forms R42C.
Identifiers: ClinVar variation 1507701 (VCV001507701.9), dbSNP rs2062292519, ClinGen allele CA377886566.

ClinVar aggregate classification (germline): Uncertain significance. Review status: criteria provided, multiple submitters, no conflicts (2 of 4 stars). 2 submissions from 2 submitters: Uncertain significance (2). Last evaluated 2025-03-30.

Conditions:
Hereditary cancer-predisposing syndrome. Also called: Neoplastic Syndromes, Hereditary; Hereditary Cancer Syndrome; Tumor predisposition; Hereditary neoplastic syndrome. Identifiers: Orphanet 140162, MedGen C0027672, MeSH D009386, MONDO:0015356.
Gorlin syndrome. Also called: Basal cell nevus syndrome; Nevoid Basal Cell Carcinoma Syndrome. Identifiers: Orphanet 377, MedGen C0004779, MONDO:0007187.
Medulloblastoma (MDB). Also called: Medulloblastoma, somatic; MEDULLOBLASTOMA PREDISPOSITION SYNDROME. Identifiers: Orphanet 616, MedGen C0025149, MeSH D008527, MONDO:0007959, OMIM 155255, HP:0002885.

Allele frequency attached by ClinVar (database versions not stated): gnomAD 0.00001.
gnomAD v4.1: 8 of 1,613,932 alleles (0.0005%); highest among the groups gnomAD compares: African/African-American, 0.0013%; no homozygotes.

Submissions (2):

Ambry Genetics
Classification: Uncertain significance for Hereditary cancer-predisposing syndrome. Last evaluated: 2025-03-30. Review status: criteria provided, single submitter. Criteria: Ambry Variant Classification Scheme 2023. Collection method: clinical testing. Allele origin: germline.
Comment: The p.R42C variant (also known as c.124C>T), located in coding exon 1 of the SUFU gene, results from a C to T substitution at nucleotide position 124. The arginine at codon 42 is replaced by cysteine, an amino acid with highly dissimilar properties. This amino acid position is conserved. In addition, the in silico prediction for this alteration is inconclusive. Based on the available evidence, the clinical significance of this variant remains unclear.

Labcorp Genetics (formerly Invitae), Labcorp
Classification: Uncertain significance for Gorlin syndrome; Medulloblastoma. Last evaluated: 2024-03-21. Review status: criteria provided, single submitter. Criteria: Invitae Variant Classification Sherloc (09022015). Collection method: clinical testing. Allele origin: germline.
Comment: This sequence change replaces arginine, which is basic and polar, with cysteine, which is neutral and slightly polar, at codon 42 of the SUFU protein (p.Arg42Cys). This variant is not present in population databases (gnomAD no frequency). This variant has not been reported in the literature in individuals affected with SUFU-related conditions. ClinVar contains an entry for this variant (Variation ID: 1507701). Advanced modeling of protein sequence and biophysical properties (such as structural, functional, and spatial information, amino acid conservation, physicochemical variation, residue mobility, and thermodynamic stability) performed at Invitae indicates that this missense variant is not expected to disrupt SUFU protein function with a negative predictive value of 80%. In summary, the available evidence is currently insufficient to determine the role of this variant in disease. Therefore, it has been classified as a Variant of Uncertain Significance.